The following is an entry in ClinVar:

NM_004447.6(EPS8):c.230G>A (p.Arg77Gln)

Gene: EPS8 (EGFR pathway substrate 8, signaling adaptor; minus strand). Cytogenetic location: 12p12.3.
Variant type: single nucleotide variant.
Coding change: c.230G>A on transcript NM_004447.6 (MANE Select); coding-DNA position 230, G replaced by A.
Protein change: p.Arg77Gln; replaces arginine 77 with glutamine.
Molecular consequence: missense variant.
Genome position (GRCh38, 1-based): chr12:15,669,800, C>T on the plus strand (G>A on the coding strand, the complement: EPS8 is on the minus strand). VCF-style: chr12-15669800-C-T. GRCh37 (hg19) VCF-style: chr12-15822734-C-T.
Other names: c.230G>A, p.Arg77Gln (NM_001413831.1, NM_001413832.1, NM_001413833.1 and 3 more transcripts); c.-11G>A (NM_001413835.1, NM_001413836.1); c.-192G>A (NM_001413837.1); short protein forms R77Q.
Identifiers: ClinVar variation 2074633 (VCV002074633.4), dbSNP rs775251220, ClinGen allele CA6467925.
Genomic context (GRCh38, chr12:15,669,800, plus strand): 5'-TTGGCATCAAGCAATTTCAATTTCCTTATTCCATCATCAACAGTGATCATAGCATCTTTC[C>T]GATCCAGGACAAAGGTAGTCAAGTGCTTACAATTGGCAAAAAGGAAAAAGATTTATAACA-3'
Protein context (NP_004438.3, residues 67-87): VEHLTTFVLD[Arg77Gln]KDAMITVDDG

ClinVar aggregate classification (germline): Uncertain significance (1 of 4 stars; one submission).

Allele frequency attached by ClinVar (database versions not stated): gnomAD 0.00001; TOPMed 0.00003; gnomAD exomes 0.00004; ExAC 0.00006.
gnomAD v4.1: 67 of 1,605,924 alleles (0.0042%); highest among the groups gnomAD compares: Middle Eastern, 0.033%; no homozygotes.

Submission:

Labcorp Genetics (formerly Invitae), Labcorp
Classification: Uncertain significance. Last evaluated: 2022-08-30. Review status: criteria provided, single submitter. Criteria: Invitae Variant Classification Sherloc (09022015). Collection method: clinical testing. Allele origin: germline.
Comment: This variant has not been reported in the literature in individuals affected with EPS8-related conditions. Algorithms developed to predict the effect of missense changes on protein structure and function are either unavailable or do not agree on the potential impact of this missense change (SIFT: "Deleterious"; PolyPhen-2: "Probably Damaging"; Align-GVGD: "Class C0"). Algorithms developed to predict the effect of sequence changes on RNA splicing suggest that this variant may create or strengthen a splice site. In summary, the available evidence is currently insufficient to determine the role of this variant in disease. Therefore, it has been classified as a Variant of Uncertain Significance. This sequence change replaces arginine, which is basic and polar, with glutamine, which is neutral and polar, at codon 77 of the EPS8 protein (p.Arg77Gln). This variant is present in population databases (rs775251220, gnomAD 0.02%).